The following is an entry in ClinVar:

NM_019892.6(INPP5E):c.61A>T (p.Arg21Trp)

Gene: INPP5E (inositol polyphosphate-5-phosphatase E; minus strand). Cytogenetic location: 9q34.3.
Variant type: single nucleotide variant.
Coding change: c.61A>T on transcript NM_019892.6 (MANE Select); coding-DNA position 61, A replaced by T.
Protein change: p.Arg21Trp; replaces arginine 21 with tryptophan.
Molecular consequence: missense variant.
Genome position (GRCh38, 1-based): chr9:136,439,359, T>A on the plus strand (A>T on the coding strand, the complement: INPP5E is on the minus strand). VCF-style: chr9-136439359-T-A. GRCh37 (hg19) VCF-style: chr9-139333811-T-A.
Other names: c.61A>T, p.Arg21Trp (NM_001318502.2); short protein forms R21W.
Identifiers: ClinVar variation 284170 (VCV000284170.8), dbSNP rs886042814, ClinGen allele CA10604714.

ClinVar aggregate classification (germline): Uncertain significance. Review status: criteria provided, multiple submitters, no conflicts (2 of 4 stars). 2 submissions from 2 submitters: Uncertain significance (2). Last evaluated 2022-04-04.

Conditions:
Joubert syndrome. Also called: CEREBELLOPARENCHYMAL DISORDER IV; JOUBERT-BOLTSHAUSER SYNDROME; Familial aplasia of the vermis. Identifiers: Orphanet 475, MedGen C5979921, MONDO:0018772.

Submissions (2):

Labcorp Genetics (formerly Invitae), Labcorp
Classification: Uncertain significance for Joubert syndrome. Last evaluated: 2022-04-04. Review status: criteria provided, single submitter. Criteria: Invitae Variant Classification Sherloc (09022015). Collection method: clinical testing. Allele origin: germline.
Comment: This variant has not been reported in the literature in individuals affected with INPP5E-related conditions. In summary, the available evidence is currently insufficient to determine the role of this variant in disease. Therefore, it has been classified as a Variant of Uncertain Significance. Advanced modeling of protein sequence and biophysical properties (such as structural, functional, and spatial information, amino acid conservation, physicochemical variation, residue mobility, and thermodynamic stability) performed at Invitae indicates that this missense variant is not expected to disrupt INPP5E protein function. ClinVar contains an entry for this variant (Variation ID: 284170). This variant is not present in population databases (gnomAD no frequency). This sequence change replaces arginine, which is basic and polar, with tryptophan, which is neutral and slightly polar, at codon 21 of the INPP5E protein (p.Arg21Trp).

Eurofins Ntd Llc (ga)
Classification: Uncertain significance. Last evaluated: 2015-11-13. Review status: criteria provided, single submitter. Criteria: EGL Classification Definitions 2015. Collection method: clinical testing. Allele origin: germline. Observed: 1 variant allele, 1 heterozygote.